The following is an entry in ClinVar:

ClinVar aggregate classification (germline): Benign (1 of 4 stars; one submission).

Conditions:
Isolated focal non-epidermolytic palmoplantar keratoderma. Also called: Palmoplantar keratoderma, nonepidermolytic, focal 2. Identifiers: Orphanet 448264, MedGen C4225339, MONDO:0014622, OMIM 616400.

Allele frequency attached by ClinVar (database versions not stated): 1000 Genomes Project 0.00060; 1000 Genomes Project 30x 0.00078; gnomAD 0.00025 and 0.00018; TOPMed 0.00032.

Submission:

Illumina Laboratory Services, Illumina
Classification: Benign for Isolated focal non-epidermolytic palmoplantar keratoderma. Last evaluated: 2018-01-12. Review status: criteria provided, single submitter. Criteria: ICSL Variant Classification Criteria 13 December 2019. Collection method: clinical testing. Allele origin: germline.
Comment: This variant was observed in the ICSL laboratory as part of a predisposition screen in an ostensibly healthy population. It had not been previously curated by ICSL or reported in the Human Gene Mutation Database (HGMD: prior to June 1st, 2018), and was therefore a candidate for classification through an automated scoring system. Utilizing variant allele frequency, disease prevalence and penetrance estimates, and inheritance mode, an automated score was calculated to assess if this variant is too frequent to cause the disease. Based on the score and internal cut-off values, a variant classified as benign is not then subjected to further curation. The score for this variant resulted in a classification of benign for this disease.

NM_145068.4(TRPV3):c.*3196T>C

Genes: SPATA22 (spermatogenesis associated 22; minus strand), TRPV3 (transient receptor potential cation channel subfamily V member 3; minus strand). Cytogenetic location: 17p13.2.
Variant type: single nucleotide variant.
Coding change: c.*3196T>C on transcript NM_145068.4 (MANE Select); 3196 bases downstream of the stop codon, T replaced by C.
Molecular consequence: 3 prime UTR variant. On other transcripts: intron variant (2).
Genome position (GRCh38, 1-based): chr17:3,510,721, A>G on the plus strand (T>C on the coding strand, the complement: TRPV3 is on the minus strand). VCF-style: chr17-3510721-A-G. GRCh37 (hg19) VCF-style: chr17-3414015-A-G.
Other names: c.*3196T>C (NM_001258205.2); c.-74+2691T>C (NM_001321336.2, NM_001321337.2).
Identifiers: ClinVar variation 322677 (VCV000322677.7), dbSNP rs188531155, ClinGen allele CA10639376.